The following is an entry in ClinVar:

ClinVar aggregate classification (germline): Pathogenic. Review status: criteria provided, multiple submitters, no conflicts (2 of 4 stars). 6 submissions from 6 submitters: Pathogenic (5). 1 of the submissions does not count toward it. Last evaluated 2025-09-03.

Conditions:
KCNA1-related disorder. Also called: KCNA1-related disorders; KCNA1-related condition.
Episodic ataxia type 1 (EA1). Also called: Episodic ataxia/myokymia syndrome; MYOKYMIA WITH PERIODIC ATAXIA; PAROXYSMAL ATAXIA WITH NEUROMYOTONIA, HEREDITARY; ATAXIA, EPISODIC, WITH MYOKYMIA. Identifiers: Orphanet 37612, Orphanet 972, MedGen C1719788, MONDO:0008047, OMIM 160120.

Submissions (6):

GeneDx
Classification: Pathogenic. Last evaluated: 2025-09-03. Review status: criteria provided, single submitter. Criteria: GeneDx Variant Classification Process June 2021. Collection method: clinical testing. Allele origin: germline.
Comment: Identified in multiple patients with episodic ataxia in published literature (PMID: 25659636, 9600245, 11026449); Not observed at significant frequency in large population cohorts (gnomAD); Published functional studies suggest this variant may have a mildly damaging effect on channel function, however some measures of channel functionality were not statistically significant (PMID: 28216637, 11026449, 21307345); In silico analysis supports that this missense variant does not alter protein structure/function; This variant is associated with the following publications: (PMID: 11026449, 26944241, 33144682, 9600245, 11773313, 21307345, 17156368, 25659636, 28216637)

Labcorp Genetics (formerly Invitae), Labcorp
Classification: Pathogenic for Episodic ataxia type 1. Last evaluated: 2024-01-10. Review status: criteria provided, single submitter. Criteria: Invitae Variant Classification Sherloc (09022015). Collection method: clinical testing. Allele origin: germline.
Comment: This sequence change replaces valine, which is neutral and non-polar, with isoleucine, which is neutral and non-polar, at codon 404 of the KCNA1 protein (p.Val404Ile). This variant is not present in population databases (gnomAD no frequency). This missense change has been observed in individuals with episodic ataxia (PMID: 9600245, 25659636; Invitae). It has also been observed to segregate with disease in related individuals. ClinVar contains an entry for this variant (Variation ID: 13487). Advanced modeling of protein sequence and biophysical properties (such as structural, functional, and spatial information, amino acid conservation, physicochemical variation, residue mobility, and thermodynamic stability) performed at Invitae indicates that this missense variant is not expected to disrupt KCNA1 protein function with a negative predictive value of 80%. Experimental studies have shown that this missense change affects KCNA1 function (PMID: 21307345, 25659636). For these reasons, this variant has been classified as Pathogenic.

Athena Diagnostics
Classification: Pathogenic. Last evaluated: 2023-12-21. Review status: criteria provided, single submitter. Criteria: Athena Diagnostics Criteria. Collection method: clinical testing. Allele origin: unknown.
Comment: This variant has been identified in at least one individual with clinical features associated with this gene and appears to segregate with disease in at least one family. This variant has not been reported in large, multi-ethnic general populations. Assessment of experimental evidence suggests this variant results in abnormal protein function. (PMID: 11026449, 11773313, 17156368)

Blueprint Genetics
Classification: Pathogenic for KCNA1-related disorders. Last evaluated: 2023-12-07. Review status: criteria provided, single submitter. Criteria: ACMG Guidelines, 2015. Collection method: clinical testing. Allele origin: germline. Affected: yes. Observed: 1 variant allele.

Genetics and Molecular Pathology, SA Pathology
Classification: Pathogenic for Episodic ataxia type 1. Last evaluated: 2020-11-27. Review status: criteria provided, single submitter. Criteria: ACMG Guidelines, 2015. Collection method: clinical testing. Allele origin: germline. Inheritance: Autosomal dominant inheritance. Affected: yes.
Comment: The KCNA1 c.1210G>A variant is classified as PATHOGENIC (PM2, PP3, PS3, PS4) The KCNA1 c.1210G>A variant is a single nucleotide change in exon 2 of the KCNA1 gene, which is predicted to change the amino acid valine at position 404 in the protein to isoleucine. This variant has been reported in multiple patients with Episodic ataxia type I (PMID:28216637, 25659636, 9600245) (PS4). This variant is in dbSNP (rs104894355) but is absent from population databases (PM2). This variant has been reported in ClinVar as Pathogenic (Variation ID: 13487) and in HGMD as damaging (CM981109) for Episodic ataxia. Functional studies have shown a decreased infinity for the inactivation domain, slowing down inactivation of potassium channels (PMID: 21307345) (PS3). Computational predictions support a deleterious effect on the gene or gene product (PP3).

OMIM
Classification: Pathogenic for EPISODIC ATAXIA, TYPE 1. Last evaluated: 2000-10-01. Review status: no assertion criteria provided. Collection method: literature only. Allele origin: germline. Not counted in ClinVar's aggregate classification.

Literature cited by the submitters: PubMed 9600245 (cited by 4 submitters); PubMed 25659636 (cited by 3 submitters); PubMed 21307345 (cited by 3 submitters); PubMed 22609616 (cited by Athena Diagnostics); PubMed 24578548 (cited by Athena Diagnostics); PubMed 11773313 (cited by Athena Diagnostics); PubMed 34566847 (cited by Athena Diagnostics); PubMed 28216637 (cited by Athena Diagnostics and Genetics and Molecular Pathology, SA Pathology); PubMed 11026449 (cited by Athena Diagnostics and OMIM); PubMed 17156368 (cited by Athena Diagnostics); PubMed 33144682 (cited by Athena Diagnostics).

NM_000217.3(KCNA1):c.1210G>A (p.Val404Ile)

Gene: KCNA1 (potassium voltage-gated channel subfamily A member 1; plus strand). Cytogenetic location: 12p13.32.
Variant type: single nucleotide variant.
Coding change: c.1210G>A on transcript NM_000217.3 (MANE Select); coding-DNA position 1210, G replaced by A.
Protein change: p.Val404Ile; replaces valine 404 with isoleucine.
Molecular consequence: missense variant.
Genome position (GRCh38, 1-based): chr12:4,912,588, G>A. VCF-style: chr12-4912588-G-A. GRCh37 (hg19) VCF-style: chr12-5021754-G-A.
Other names: c.1210G>A (NM_000217.2); short protein forms V404I.
Identifiers: ClinVar variation 13487 (VCV000013487.15), dbSNP rs104894355, ClinGen allele CA256880.